The following is an entry in ClinVar:

NM_001243925.2(MAPKAPK3):c.931C>T (p.Pro311Ser)

Gene: MAPKAPK3 (MAPK activated protein kinase 3; plus strand). Cytogenetic location: 3p21.2.
Variant type: single nucleotide variant.
Coding change: c.931C>T on transcript NM_001243925.2 (MANE Select); coding-DNA position 931, C replaced by T.
Protein change: p.Pro311Ser; replaces proline 311 with serine.
Molecular consequence: missense variant.
Genome position (GRCh38, 1-based): chr3:50,647,138, C>T. VCF-style: chr3-50647138-C-T. GRCh37 (hg19) VCF-style: chr3-50684569-C-T.
Other names: c.931C>T, p.Pro311Ser (NM_001243926.2, NM_004635.5); short protein forms P311S.
Identifiers: ClinVar variation 1501829 (VCV001501829.8), dbSNP rs2107603341, ClinGen allele CA352936896.

ClinVar aggregate classification (germline): Uncertain significance (1 of 4 stars; one submission).

Submission:

Labcorp Genetics (formerly Invitae), Labcorp
Classification: Uncertain significance. Last evaluated: 2021-01-11. Review status: criteria provided, single submitter. Criteria: Invitae Variant Classification Sherloc (09022015). Collection method: clinical testing. Allele origin: germline.
Comment: In summary, the available evidence is currently insufficient to determine the role of this variant in disease. Therefore, it has been classified as a Variant of Uncertain Significance. Algorithms developed to predict the effect of missense changes on protein structure and function (SIFT, PolyPhen-2, Align-GVGD) all suggest that this variant is likely to be disruptive, but these predictions have not been confirmed by published functional studies and their clinical significance is uncertain. This variant has not been reported in the literature in individuals with MAPKAPK3-related conditions. This variant is not present in population databases (ExAC no frequency). This sequence change replaces proline with serine at codon 311 of the MAPKAPK3 protein (p.Pro311Ser). The proline residue is highly conserved and there is a moderate physicochemical difference between proline and serine.